The following is an entry in ClinVar:

ClinVar aggregate classification (germline): Uncertain significance (1 of 4 stars; one submission).

Conditions:
Wilson disease (WND). Also called: Wilson's disease. Identifiers: Orphanet 905, MedGen C0019202, MONDO:0010200, OMIM 277900. Disease mechanism: loss of function.

Submission:

Labcorp Genetics (formerly Invitae), Labcorp
Classification: Uncertain significance for Wilson disease. Last evaluated: 2022-04-17. Review status: criteria provided, single submitter. Criteria: Invitae Variant Classification Sherloc (09022015). Collection method: clinical testing. Allele origin: germline.
Comment: This variant, c.4027_4029dup, results in the insertion of 1 amino acid(s) of the ATP7B protein (p.Phe1343dup), but otherwise preserves the integrity of the reading frame. This variant is not present in population databases (gnomAD no frequency). In summary, the available evidence is currently insufficient to determine the role of this variant in disease. Therefore, it has been classified as a Variant of Uncertain Significance. This variant has not been reported in the literature in individuals affected with ATP7B-related conditions.

NM_000053.4(ATP7B):c.4027_4029dup (p.Phe1343_Met1344insPhe)

Gene: ATP7B (ATPase copper transporting beta; minus strand). Cytogenetic location: 13q14.3.
Variant type: Duplication.
Coding change: c.4027_4029dup on transcript NM_000053.4 (MANE Select); coding-DNA positions 4027 to 4029, 3 bases duplicated (TTC; older notation c.4027_4029dupTTC).
Protein change: p.Phe1343_Met1344insPhe.
Molecular consequence: inframe insertion. On other transcripts: inframe indel (36).
Genome position (GRCh38, 1-based): chr13:51,935,688-51,935,690, GAA duplicated on the plus strand (TTC on the coding strand, the reverse complement: ATP7B is on the minus strand); duplicating any 3 consecutive bases within chr13:51,935,688-51,935,692 gives the same sequence; the c. name uses the placement nearest the transcript's 3' end. VCF-style (leftmost placement, unchanged base first): chr13-51935687-T-TGAA. GRCh37 (hg19) VCF-style: chr13-52509823-T-TGAA.
Other names: c.3406_3408dup, p.Phe1136_Met1137insPhe (NM_001005918.3); c.3694_3696dup, p.Phe1232_Met1233insPhe (NM_001243182.2); c.3793_3795dup, p.Phe1265_Met1266insPhe (NM_001330578.2); c.3775_3777dup, p.Phe1259_Met1260insPhe (NM_001330579.2); c.4025_4027dup, p.Phe1343_Met1344insPhe (NM_001406511.1, NM_001406512.1); c.4019_4021dup, p.Phe1341_Met1342insPhe (NM_001406513.1); c.3992_3994dup, p.Phe1332_Met1333insPhe (NM_001406514.1); c.3971_3973dup, p.Phe1325_Met1326insPhe (NM_001406515.1, NM_001406516.1); and 23 more.
Identifiers: ClinVar variation 2127282 (VCV002127282.4), dbSNP rs2547551976, ClinGen allele CA2580087684.